The following is an entry in ClinVar:

NM_001018113.3(FANCB):c.2565_2569delinsTTTATAATTCTGT (p.Lys855_Ser857delinsAsnLeuTer)

Gene: FANCB (FA complementation group B; minus strand). Cytogenetic location: Xp22.2.
Variant type: Indel.
Coding change: c.2565_2569delinsTTTATAATTCTGT on transcript NM_001018113.3 (MANE Select); coding-DNA positions 2565 to 2569, ACTGA replaced by TTTATAATTCTGT.
Protein change: p.Lys855_Ser857delinsAsnLeuTer.
Molecular consequence: nonsense.
Genome position (GRCh38, 1-based): chrX:14,843,578-14,843,582, TCAGT replaced by ACAGAATTATAAA on the plus strand (ACTGA replaced by TTTATAATTCTGT on the coding strand, the reverse complement: FANCB is on the minus strand). VCF-style: chrX-14843578-TCAGT-ACAGAATTATAAA. GRCh37 (hg19) VCF-style: chrX-14861700-TCAGT-ACAGAATTATAAA.
Other names: c.2565_2569delinsTTTATAATTCTGT, p.Lys855_Ser857delinsAsnLeuTer (NM_001324162.2, NM_152633.4).
Identifiers: ClinVar variation 1308291 (VCV001308291.5), dbSNP rs2147386189, ClinGen allele CA2573055124.

ClinVar aggregate classification (germline): Uncertain significance. Review status: criteria provided, multiple submitters, no conflicts (2 of 4 stars). 3 submissions from 3 submitters: Uncertain significance (3). Last evaluated 2026-10-01.

Conditions:
Fanconi anemia complementation group B (FANCB). Also called: FANCB-Related Fanconi Anemia; FANCONI PANCYTOPENIA, TYPE 2. Identifiers: Orphanet 84, MedGen C1845292, MONDO:0010351, OMIM 300514.
VACTERL association, X-linked, with or without hydrocephalus (VACTERLX). Also called: VACTERL-H, X-LINKED; VACTERL Association with Hydrocephalus, X-linked; X-linked VACTERL-H syndrome; VACTERL ASSOCIATION, X-LINKED. Identifiers: Orphanet 3412, MedGen C2931228, MONDO:0010752, OMIM 314390.

Submissions (3):

St. Jude Molecular Pathology, St. Jude Children's Research Hospital
Classification: Uncertain significance for Fanconi anemia complementation group B. Last evaluated: 2026-10-01. Review status: criteria provided, single submitter. Criteria: St. Jude Assertion Criteria 2020. Collection method: clinical testing. Allele origin: germline.
Comment: The FANCB c.2565_2569delinsTTTATAATTCTGT p.(Lys855AsnfsTer3) change results from the deletion of 5 nucleotides and insertion of 13 nucleotides to cause a frameshift and the creation of a premat ure stop codon. This variant occurs at the 3' terminus of the FANCB gene and is expected to replace the last five amino acids with two different amino acids. This variant is absent in gnomAD v2.1.1. To our knowledge, this variant has not been reported in the literature in individuals with Fanconi anemia. In summary, the evidence currently available is insufficient to determine the clinical significance of this variant. It has therefore been classified as of uncertain significance.

GeneDx
Classification: Uncertain significance. Last evaluated: 2024-02-05. Review status: criteria provided, single submitter. Criteria: GeneDx Variant Classification Process June 2021. Collection method: clinical testing. Allele origin: germline. Affected: yes.
Comment: Not observed at significant frequency in large population cohorts (gnomAD); Frameshift variant predicted to result in protein truncation as the last 5 amino acids are lost and replaced with 2 incorrect amino acids, although loss-of-function variants have not been reported downstream of this position in the protein; Has not been previously published as pathogenic or benign to our knowledge

Fulgent Genetics
Classification: Uncertain significance for Fanconi anemia complementation group B; VACTERL association, X-linked, with or without hydrocephalus. Last evaluated: 2022-05-18. Review status: criteria provided, single submitter. Criteria: ACMG Guidelines, 2015. Collection method: clinical testing. Allele origin: unknown.